The following is an entry in ClinVar:

ClinVar aggregate classification (germline): Pathogenic/Likely pathogenic. Review status: criteria provided, multiple submitters, no conflicts (2 of 4 stars). 3 submissions from 3 submitters: Pathogenic (2); Likely pathogenic (1). Last evaluated 2024-10-08.

Conditions:
Hereditary cancer-predisposing syndrome. Also called: Neoplastic Syndromes, Hereditary; Hereditary Cancer Syndrome; Hereditary neoplastic syndrome; Tumor predisposition. Identifiers: Orphanet 140162, MedGen C0027672, MeSH D009386, MONDO:0015356.
Hereditary leiomyomatosis and renal cell cancer. Also called: LEIOMYOMA, MULTIPLE CUTANEOUS; MULTIPLE CUTANEOUS AND UTERINE LEIOMYOMATA 1, WITH OR WITHOUT RENAL CELL CARCINOMA; Reed syndrome; Multiple cutaneous and uterine leiomyomatosis; Cutaneous leiomyomata with uterine leiomyomata; Leiomyoma, hereditary multiple, of skin. Identifiers: Orphanet 523, MedGen C1708350, MONDO:0007888, OMIM 150800, HP:0007437. Disease mechanism: loss of function.

Submissions (3):

Ambry Genetics
Classification: Pathogenic for Hereditary cancer-predisposing syndrome. Last evaluated: 2024-10-08. Review status: criteria provided, single submitter. Criteria: Ambry Variant Classification Scheme 2023. Collection method: clinical testing. Allele origin: germline.
Comment: The c.578_583delCAGCAA variant (also known as p.T193_A194del) is located in coding exon 5 of the FH gene. This variant results from an in-frame CAGCAA deletion at nucleotide positions 578 to 583. This results in the in-frame deletion of threonine and alanine at codons 193 and 194, respectively. This variant has been observed in multiple individuals who have a personal or family history that is consistent with FH-associated disease and it segregates with those diseases in multiple families (Shuch B et al. J. Urol. 2013 Feb;189:430-5; Ambry internal data). This variant has also been referred to as FH c.449_454del6 in the literature. This variant is structurally destabilizing and the deletion is likely to be as disruptive or more disruptive as some nearby, known pathogenic alterations in FH (Pereira de P&aacute;dua RA et al. Acta Crystallogr F Struct Biol Commun. 2014 Jan;70:120-2; Ambry internal data). This variant is considered to be rare based on population cohorts in the Genome Aggregation Database (gnomAD). These amino acid positions are highly conserved in available vertebrate species. In addition, this alteration is predicted to be deleterious by in silico analysis (Choi Y et al. PLoS ONE. 2012; 7(10):e46688). Based on the supporting evidence, this alteration is interpreted as a disease-causing mutation.

Labcorp Genetics (formerly Invitae), Labcorp
Classification: Pathogenic. Last evaluated: 2024-06-23. Review status: criteria provided, single submitter. Criteria: Invitae Variant Classification Sherloc (09022015). Collection method: clinical testing. Allele origin: germline.
Comment: This variant, c.578_583del, results in the deletion of 2 amino acid(s) of the FH protein (p.Thr193_Ala194del), but otherwise preserves the integrity of the reading frame. This variant is not present in population databases (gnomAD no frequency). This variant has been observed in individual(s) with FH-related conditions (PMID: 22982371). This variant is also known as c.449_454del6 (p.Thr150_Ala151del). ClinVar contains an entry for this variant (Variation ID: 393568). This variant disrupts a region of the FH protein in which other variant(s) (Thr193Ile) have been determined to be pathogenic (PMID: 24346898; Invitae). This suggests that this is a clinically significant region of the protein, and that variants that disrupt it are likely to be disease-causing. For these reasons, this variant has been classified as Pathogenic.

Genomic Diagnostic Laboratory, Division of Genomic Diagnostics, Children's Hospital of Philadelphia
Classification: Likely pathogenic for Hereditary leiomyomatosis and renal cell cancer. Last evaluated: 2017-01-17. Review status: criteria provided, single submitter. Criteria: DGD Variant Analysis Guidelines. Collection method: clinical testing. Allele origin: germline. Affected: yes. Observed: 2 variant alleles.
Comment: Clinical Testing

Literature cited by the submitters: PubMed 22982371 (cited by Ambry Genetics and Labcorp Genetics (formerly Invitae), Labcorp); PubMed 24419633 (cited by Ambry Genetics); PubMed 24346898 (cited by Labcorp Genetics (formerly Invitae), Labcorp).

NM_000143.4(FH):c.578_583del (p.Thr193_Ala194del)

Gene: FH (fumarate hydratase; minus strand). Cytogenetic location: 1q43.
Variant type: Deletion.
Coding change: c.578_583del on transcript NM_000143.4 (MANE Select); coding-DNA positions 578 to 583, 6 bases deleted (CAGCAA; older notation c.578_583delCAGCAA).
Protein change: p.Thr193_Ala194del.
Molecular consequence: inframe deletion.
Genome position (GRCh38, 1-based): chr1:241,508,758-241,508,763, TTGCTG deleted on the plus strand (CAGCAA on the coding strand, the reverse complement: FH is on the minus strand); deleting any 6 consecutive bases within chr1:241,508,758-241,508,764 gives the same sequence; the c. name uses the placement nearest the transcript's 3' end. VCF-style (leftmost placement, unchanged base first): chr1-241508757-ATTGCTG-A. GRCh37 (hg19) VCF-style: chr1-241672057-ATTGCTG-A.
Other names: c.578_583delCAGCAA (NM_000143.3).
Identifiers: ClinVar variation 393568 (VCV000393568.10), dbSNP rs1060499635, ClinGen allele CA16609372.